The following is an entry in ClinVar:

NM_001384140.1(PCDH15):c.2148_2155del (p.Phe717fs)

Gene: PCDH15 (protocadherin related 15; minus strand). Cytogenetic location: 10q21.1.
Variant type: Deletion.
Coding change: c.2148_2155del on transcript NM_001384140.1 (MANE Select); coding-DNA positions 2148 to 2155, 8 bases deleted (GTTTGATC; older notation c.2148_2155delGTTTGATC).
Protein change: p.Phe717fs; shifts the reading frame from phenylalanine 717.
Molecular consequence: frameshift variant.
Genome position (GRCh38, 1-based): chr10:54,066,822-54,066,829, GATCAAAC deleted on the plus strand (GTTTGATC on the coding strand, the reverse complement: PCDH15 is on the minus strand). VCF-style (leftmost placement, unchanged base first): chr10-54066821-GGATCAAAC-G. GRCh37 (hg19) VCF-style: chr10-55826581-GGATCAAAC-G.
Other names: c.2163_2170del, p.Phe722fs (NM_001142763.2, NM_001142771.2); c.2148_2155del, p.Phe717fs (NM_001142764.2, NM_001142766.2, NM_001142770.3 and 5 more transcripts); c.1935_1942del, p.Phe646fs (NM_001142765.2); c.2037_2044del, p.Phe680fs (NM_001142767.2); c.2082_2089del, p.Phe695fs (NM_001142768.2, NM_001142773.2, NM_001354404.2); c.2184_2191delGTTTGATC, p.Phe729Leufs (NM_001142769.4); c.2169_2176del, p.Phe724fs (NM_001354411.2); short protein forms F680fs, F724fs, F717fs, F729fs, F646fs, F695fs, F722fs.
Identifiers: ClinVar variation 931808 (VCV000931808.3), dbSNP rs2094144598, ClinGen allele CA1139661449.

ClinVar aggregate classification (germline): Pathogenic (1 of 4 stars; one submission).

Conditions:
Usher syndrome type 1D (USH1D). Also called: USHER SYNDROME, TYPE ID. Identifiers: Orphanet 231169, Orphanet 886, MedGen C1832845, MONDO:0010984, OMIM 601067.

Submission:

Centre for Mendelian Genomics, University Medical Centre Ljubljana
Classification: Pathogenic for Usher syndrome type 1D. Last evaluated: 2019-11-27. Review status: criteria provided, single submitter. Criteria: ACMG Guidelines, 2015. Collection method: clinical testing. Allele origin: unknown. Affected: yes.
Comment: This variant was classified as: Pathogenic. The following ACMG criteria were applied in classifying this variant: PVS1,PM1,PM2,PP3.